The following is an entry in ClinVar:

NM_000284.4(PDHA1):c.616G>C (p.Glu206Gln)

Gene: PDHA1 (pyruvate dehydrogenase E1 subunit alpha 1; plus strand). Cytogenetic location: Xp22.12.
Variant type: single nucleotide variant.
Coding change: c.616G>C on transcript NM_000284.4 (MANE Select); coding-DNA position 616, G replaced by C.
Protein change: p.Glu206Gln; replaces glutamic acid 206 with glutamine.
Molecular consequence: missense variant.
Genome position (GRCh38, 1-based): chrX:19,355,361, G>C. VCF-style: chrX-19355361-G-C. GRCh37 (hg19) VCF-style: chrX-19373479-G-C.
Other names: c.730G>C, p.Glu244Gln (NM_001173454.2); c.637G>C, p.Glu213Gln (NM_001173455.2); c.523G>C, p.Glu175Gln (NM_001173456.2); short protein forms E206Q, E175Q, E213Q, E244Q.
Identifiers: ClinVar variation 521416 (VCV000521416.5), dbSNP rs1555934336, ClinGen allele CA412394283.

ClinVar aggregate classification (germline): Likely pathogenic. Review status: criteria provided, single submitter (1 of 4 stars). 2 submissions from 2 submitters: Likely pathogenic (1). 1 of the submissions does not count toward it. Last evaluated 2016-12-15.

Conditions:
Inborn genetic diseases. Identifiers: MedGen C0950123, MeSH D030342.
Pyruvate dehydrogenase E1-alpha deficiency (PDHAD). Also called: ATAXIA, INTERMITTENT, WITH PYRUVATE DEHYDROGENASE DEFICIENCY; ATAXIA WITH LACTIC ACIDOSIS I; ATAXIA, INTERMITTENT, WITH ABNORMAL PYRUVATE METABOLISM; Ataxia, intermittent, with pyruvate dehydrogenase, or decarboxylase, deficiency. Identifiers: Orphanet 79243, MedGen C1839413, MONDO:0010717, OMIM 312170.

Submissions (2):

Ambry Genetics
Classification: Likely pathogenic for Inborn genetic diseases. Last evaluated: 2016-12-15. Review status: criteria provided, single submitter. Criteria: Ambry exome assertion method (8-5-2015). Collection method: clinical testing. Allele origin: germline. Affected: yes. Observed: 1 variant allele.

PDHA1 Study Group, University Children’s Hospital, Paracelsus Medical University
Classification: Pathogenic for Pyruvate dehydrogenase E1-alpha deficiency. Last evaluated: 2024-10-15. Review status: no assertion criteria provided. Collection method: research. Allele origin: de novo. Affected: yes. Observed: 1 variant allele. Not counted in ClinVar's aggregate classification.
Comment: The NM_000284.3:c.616G>C (p.Glu206Gln) substitution is a missense variant in PDHA1 gene. Among them, 1 case had confirmed de novo occurrence. Last literature search: July 12, 2024. This variant is absent or extremely rare in population-based cohorts in the Genome Aggregation Database (gnomAD). Individuals harboring this variant presented with clinical features compatible with PDHA1-related PDHc deficiency. In summary, this variant meets criteria to be classified as pathogenic (P) for PDHA1-related PDHc deficiency based on the ACMG/AMP criteria applied: PS2, PM1, PM2, PM5, PP3 (last assessment October 15, 2024).

Literature cited by the submitters: PubMed 12651851 (cited by Ambry Genetics); PubMed 19517265 (cited by Ambry Genetics); DOI 10.1093/brain/awaf430 (cited by PDHA1 Study Group, University Children’s Hospital, Paracelsus Medical University).